The following is an entry in ClinVar:

ClinVar aggregate classification (germline): Likely pathogenic (1 of 4 stars; one submission).

Submission:

Mayo Clinic Laboratories, Mayo Clinic
Classification: Likely pathogenic. Last evaluated: 2019-05-24. Review status: criteria provided, single submitter. Criteria: ACMG Guidelines, 2015. Collection method: clinical testing. Allele origin: germline. Observed: 1 variant allele.
Comment: PVS1, PM2

NM_001114134.2(EPB42):c.619_628del (p.Gln207fs)

Gene: EPB42 (erythrocyte membrane protein band 4.2; minus strand). Cytogenetic location: 15q15.2.
Variant type: Deletion.
Coding change: c.619_628del on transcript NM_001114134.2 (MANE Select); coding-DNA positions 619 to 628, 10 bases deleted (CAGCCGGTGC; older notation c.619_628delCAGCCGGTGC).
Protein change: p.Gln207fs; shifts the reading frame from glutamine 207.
Molecular consequence: frameshift variant.
Genome position (GRCh38, 1-based): chr15:43,210,361-43,210,370, GCACCGGCTG deleted on the plus strand (CAGCCGGTGC on the coding strand, the reverse complement: EPB42 is on the minus strand); deleting any 10 consecutive bases within chr15:43,210,361-43,210,372 gives the same sequence; the c. name uses the placement nearest the transcript's 3' end. VCF-style (leftmost placement, unchanged base first): chr15-43210360-TGCACCGGCTG-T. GRCh37 (hg19) VCF-style: chr15-43502558-TGCACCGGCTG-T.
Other names: c.709_718del, p.Gln237fs (NM_000119.3); short protein forms Q207fs, Q237fs.
Identifiers: ClinVar variation 1163381 (VCV001163381.5), dbSNP rs2142297728, ClinGen allele CA2499222928.